The following is an entry in ClinVar:

NM_001042492.3(NF1):c.3016G>A (p.Val1006Ile)

Gene: NF1 (neurofibromin 1; plus strand). Cytogenetic location: 17q11.2.
Variant type: single nucleotide variant.
Coding change: c.3016G>A on transcript NM_001042492.3 (MANE Select); coding-DNA position 3016, G replaced by A.
Protein change: p.Val1006Ile; replaces valine 1006 with isoleucine.
Molecular consequence: missense variant.
Genome position (GRCh38, 1-based): chr17:31,230,285, G>A. VCF-style: chr17-31230285-G-A. GRCh37 (hg19) VCF-style: chr17-29557303-G-A.
Other names: c.3016G>A, p.Val1006Ile (NM_000267.4); short protein forms V1006I.
Identifiers: ClinVar variation 404613 (VCV000404613.5), dbSNP rs1060500383, ClinGen allele CA16615189.

ClinVar aggregate classification (germline): Uncertain significance (1 of 4 stars; one submission).

Conditions:
Neurofibromatosis, type 1 (NF1). Also called: Neurofibromatosis, type I; NEUROFIBROMATOSIS, TYPE I, SOMATIC; Peripheral type neurofibromatosis; VON RECKLINGHAUSEN DISEASE. Identifiers: Orphanet 636, MedGen C0027831, MONDO:0018975, OMIM 162200. Disease mechanism: loss of function.

Submission:

Labcorp Genetics (formerly Invitae), Labcorp
Classification: Uncertain significance for Neurofibromatosis, type 1. Last evaluated: 2016-05-11. Review status: criteria provided, single submitter. Criteria: Invitae Variant Classification Sherloc (09022015). Collection method: clinical testing. Allele origin: germline.
Comment: This sequence change replaces valine with isoleucine at codon 1006 of the NF1 protein (p.Val1006Ile). The valine residue is moderately conserved and there is a small physicochemical difference between valine and isoleucine. Algorithms developed to predict the effect of missense changes on protein structure and function do not agree on the potential impact of this missense change (SIFT: "Deleterious"; PolyPhen-2: "Probably Damaging"; Align-GVGD: "Class C0"). This variant is not present in population databases (ExAC no frequency) and has not been reported in the literature in individuals with an NF1-related disease. In summary, this variant is a novel missense change with uncertain impact on protein function. It has been classified as a Variant of Uncertain Significance.